The following is an entry in ClinVar:

ClinVar aggregate classification (germline): Uncertain significance (1 of 4 stars; one submission).

Conditions:
X-linked lymphoproliferative disease due to SH2D1A deficiency (XLP1). Also called: SH2D1A-Related Lymphoproliferative Disease, X-Linked; DUNCAN DISEASE; IMMUNODEFICIENCY 5; IMMUNODEFICIENCY, X-LINKED PROGRESSIVE COMBINED VARIABLE; INFECTIOUS MONONUCLEOSIS, SEVERE, SUSCEPTIBILITY TO; PURTILO SYNDROME. Identifiers: Orphanet 2442, Orphanet 538931, MedGen C5399825, MONDO:0024551, OMIM 308240.

gnomAD v4.1: 1 of 1,160,536 alleles (0.000086%); highest among the groups gnomAD compares: Non-Finnish European, 0.00012%; no homozygotes.

Submission:

Labcorp Genetics (formerly Invitae), Labcorp
Classification: Uncertain significance for X-linked lymphoproliferative disease due to SH2D1A deficiency. Last evaluated: 2024-06-06. Review status: criteria provided, single submitter. Criteria: Invitae Variant Classification Sherloc (09022015). Collection method: clinical testing. Allele origin: germline.
Comment: This sequence change replaces tyrosine, which is neutral and polar, with histidine, which is basic and polar, at codon 50 of the SH2D1A protein (p.Tyr50His). This variant is not present in population databases (gnomAD no frequency). This variant has not been reported in the literature in individuals affected with SH2D1A-related conditions. An algorithm developed to predict the effect of missense changes on protein structure and function (PolyPhen-2) suggests that this variant is likely to be disruptive. In summary, the available evidence is currently insufficient to determine the role of this variant in disease. Therefore, it has been classified as a Variant of Uncertain Significance.

NM_002351.5(SH2D1A):c.148T>C (p.Tyr50His)

Gene: SH2D1A (SH2 domain containing 1A; plus strand). Cytogenetic location: Xq25.
Variant type: single nucleotide variant.
Coding change: c.148T>C on transcript NM_002351.5 (MANE Select); coding-DNA position 148, T replaced by C.
Protein change: p.Tyr50His; replaces tyrosine 50 with histidine.
Molecular consequence: missense variant.
Genome position (GRCh38, 1-based): chrX:124,365,771, T>C. VCF-style: chrX-124365771-T-C. GRCh37 (hg19) VCF-style: chrX-123499621-T-C.
Other names: c.148T>C, p.Tyr50His (NM_001114937.3); short protein forms Y50H.
Identifiers: ClinVar variation 3655823 (VCV003655823.2).